The following is an entry in ClinVar:

ClinVar aggregate classification (germline): Likely benign. Review status: criteria provided, multiple submitters, no conflicts (2 of 4 stars). 2 submissions from 2 submitters: Likely benign (2). Last evaluated 2025-10-11.

Allele frequency attached by ClinVar (database versions not stated): ExAC 0.00019; TOPMed 0.00022; gnomAD 0.00034; gnomAD exomes 0.00044; ESP Exome Variant Server 0.00054.
gnomAD v4.1: 694 of 1,614,072 alleles (0.043%); highest among the groups gnomAD compares: Non-Finnish European, 0.055%; no homozygotes.

Submissions (3):

Labcorp Genetics (formerly Invitae), Labcorp
Classification: Likely benign. Last evaluated: 2025-10-11. Review status: criteria provided, single submitter. Criteria: Invitae Variant Classification Sherloc (09022015). Collection method: clinical testing. Allele origin: germline.

CeGaT Center for Human Genetics Tuebingen
Classification: Likely benign. Last evaluated: 2023-01-01. Review status: criteria provided, single submitter. Criteria: CeGaT Center For Human Genetics Tuebingen Variant Classification Criteria Version 2. Collection method: clinical testing. Allele origin: germline. Affected: yes. Observed: 1 variant allele.
Comment: GZF1: BP4, BP7

Dr. Peter K. Rogan Lab, Western University
No classification provided (evidence only). Condition: Sarcoma. Review status: no classification provided. Collection method: in vitro. Allele origin: not applicable. Functional consequence: retained intron. Not counted in ClinVar's aggregate classification.

NM_022482.5(GZF1):c.1905G>A (p.Ser635=)

Gene: GZF1 (GDNF inducible zinc finger protein 1; plus strand). Cytogenetic location: 20p11.21.
Variant type: single nucleotide variant.
Coding change: c.1905G>A on transcript NM_022482.5 (MANE Select); coding-DNA position 1905, G replaced by A.
Protein change: p.Ser635=; no amino-acid change (serine 635 retained).
Molecular consequence: synonymous variant. On other transcripts: missense variant (1).
Genome position (GRCh38, 1-based): chr20:23,370,210, G>A. VCF-style: chr20-23370210-G-A. GRCh37 (hg19) VCF-style: chr20-23350847-G-A.
Other names: c.1905G>A, p.Ser635= (NM_001317012.2); c.1859G>A, p.Arg620Gln (NM_001317019.1); short protein forms R620Q.
Identifiers: ClinVar variation 2043656 (VCV002043656.29), dbSNP rs148077942, ClinGen allele CA9788846.